The following is an entry in ClinVar:

NM_052867.4(NALCN):c.147C>T (p.Ser49=)

Gene: NALCN (sodium leak channel, non-selective; minus strand). Cytogenetic location: 13q33.1.
Variant type: single nucleotide variant.
Coding change: c.147C>T on transcript NM_052867.4 (MANE Select); coding-DNA position 147, C replaced by T.
Protein change: p.Ser49=; no amino-acid change (serine 49 retained).
Molecular consequence: synonymous variant.
Genome position (GRCh38, 1-based): chr13:101,395,327, G>A on the plus strand (C>T on the coding strand, the complement: NALCN is on the minus strand). VCF-style: chr13-101395327-G-A. GRCh37 (hg19) VCF-style: chr13-102047678-G-A.
Other names: c.147C>T, p.Ser49= (NM_001350748.2, NM_001350749.2, NM_001350750.2 and 1 more transcripts).
Identifiers: ClinVar variation 1678666 (VCV001678666.3), dbSNP rs752651022, ClinGen allele CA7036534.

ClinVar aggregate classification (germline): Likely benign. Review status: criteria provided, multiple submitters, no conflicts (2 of 4 stars). 2 submissions from 2 submitters: Likely benign (2). Last evaluated 2021-06-04.

Allele frequency attached by ClinVar (database versions not stated): gnomAD exomes below 0.00001 and 0.00001; ExAC 0.00002; gnomAD 0.00002; TOPMed 0.00002.
gnomAD v4.1: 13 of 1,614,024 alleles (0.00081%); highest among the groups gnomAD compares: East Asian, 0.027%; no homozygotes.

Submissions (2):

GeneDx
Classification: Likely benign. Last evaluated: 2021-06-04. Review status: criteria provided, single submitter. Criteria: GeneDx Variant Classification Process June 2021. Collection method: clinical testing. Allele origin: germline. Affected: yes.
Comment: See Variant Classification Assertion Criteria.

Breakthrough Genomics
Classification: Likely benign. Review status: criteria provided, single submitter. Criteria: ACMG Guidelines, 2015. Collection method: not provided. Allele origin: germline. Inheritance: Autosomal recessive inheritance. Affected: yes.